The following is an entry in ClinVar:

NM_031407.7(HUWE1):c.50C>T (p.Ala17Val)

Gene: HUWE1 (HECT, UBA and WWE domain containing E3 ubiquitin protein ligase 1; minus strand). Cytogenetic location: Xp11.22.
Variant type: single nucleotide variant.
Coding change: c.50C>T on transcript NM_031407.7 (MANE Select); coding-DNA position 50, C replaced by T.
Protein change: p.Ala17Val; replaces alanine 17 with valine.
Molecular consequence: missense variant.
Genome position (GRCh38, 1-based): chrX:53,648,306, G>A on the plus strand (C>T on the coding strand, the complement: HUWE1 is on the minus strand). VCF-style: chrX-53648306-G-A. GRCh37 (hg19) VCF-style: chrX-53675249-G-A.
Other names: short protein forms A17V.
Identifiers: ClinVar variation 1695468 (VCV001695468.2), dbSNP rs868987422, ClinGen allele CA413168332.
Genomic context (GRCh38, chrX:53,648,306, plus strand): 5'-TCCAAGAGAAGTTGCTCATCATTACAAACTTTGAGTTTGTCTATTAAGGCTCTGCAGTCT[G>A]CAGGCTGAGAAAAGAAAAGTATTCACAAAAGATGTTTTGGAATGAGGGAGTTGCAAATAA-3'
Protein context (NP_113584.3, residues 7-27): KLKKTPTEAP[Ala17Val]DCRALIDKLK

ClinVar aggregate classification (germline): Uncertain significance (1 of 4 stars; one submission).

Submission:

GeneDx
Classification: Uncertain significance. Last evaluated: 2022-01-06. Review status: criteria provided, single submitter. Criteria: GeneDx Variant Classification Process June 2021. Collection method: clinical testing. Allele origin: germline. Affected: yes.
Comment: Not observed at significant frequency in large population cohorts (gnomAD); In silico analysis supports that this missense variant has a deleterious effect on protein structure/function; Has not been previously published as pathogenic or benign to our knowledge